The following continues an entry in ClinVar:

NM_003356.4(UCP3):c.824+1G>A

Gene: UCP3. ClinVar aggregate classification (germline): Benign. Benign (4).

Submissions 33 to 43 of 43:

Dr. Peter K. Rogan Lab, Western University
No classification provided (evidence only). Condition: Sarcoma. Review status: no classification provided. Collection method: in vitro. Allele origin: not applicable. Functional consequence: retained intron. Not counted in ClinVar's aggregate classification.

Dr. Peter K. Rogan Lab, Western University
No classification provided (evidence only). Condition: Sarcoma. Review status: no classification provided. Collection method: in vitro. Allele origin: not applicable. Functional consequence: retained intron. Not counted in ClinVar's aggregate classification.

Dr. Peter K. Rogan Lab, Western University
No classification provided (evidence only). Condition: Sarcoma. Review status: no classification provided. Collection method: in vitro. Allele origin: not applicable. Functional consequence: retained intron. Not counted in ClinVar's aggregate classification.

Dr. Peter K. Rogan Lab, Western University
No classification provided (evidence only). Condition: Hepatocellular carcinoma. Review status: no classification provided. Collection method: in vitro. Allele origin: not applicable. Functional consequence: retained intron. Not counted in ClinVar's aggregate classification.

Dr. Peter K. Rogan Lab, Western University
No classification provided (evidence only). Condition: Thymoma. Review status: no classification provided. Collection method: in vitro. Allele origin: not applicable. Functional consequence: retained intron. Not counted in ClinVar's aggregate classification.

Dr. Peter K. Rogan Lab, Western University
No classification provided (evidence only). Condition: Thymoma. Review status: no classification provided. Collection method: in vitro. Allele origin: not applicable. Functional consequence: retained intron. Not counted in ClinVar's aggregate classification.

Dr. Peter K. Rogan Lab, Western University
No classification provided (evidence only). Condition: Ovarian serous cystadenocarcinoma. Review status: no classification provided. Collection method: in vitro. Allele origin: not applicable. Functional consequence: retained intron. Not counted in ClinVar's aggregate classification.

Dr. Peter K. Rogan Lab, Western University
No classification provided (evidence only). Condition: Adrenocortical carcinoma, hereditary. Review status: no classification provided. Collection method: in vitro. Allele origin: not applicable. Functional consequence: retained intron. Not counted in ClinVar's aggregate classification.

Dr. Peter K. Rogan Lab, Western University
No classification provided (evidence only). Condition: Uterine carcinosarcoma. Review status: no classification provided. Collection method: in vitro. Allele origin: not applicable. Functional consequence: retained intron. Not counted in ClinVar's aggregate classification.

Dr. Peter K. Rogan Lab, Western University
No classification provided (evidence only). Condition: Uterine carcinosarcoma. Review status: no classification provided. Collection method: in vitro. Allele origin: not applicable. Functional consequence: retained intron. Not counted in ClinVar's aggregate classification.

Dr. Peter K. Rogan Lab, Western University
No classification provided (evidence only). Condition: Malignant tumor of esophagus. Review status: no classification provided. Collection method: in vitro. Allele origin: not applicable. Functional consequence: retained intron. Not counted in ClinVar's aggregate classification.

Literature cited by the submitters: PubMed 9769326 (cited by OMIM).